The following is an entry in ClinVar:

ClinVar aggregate classification (germline): Uncertain significance. Review status: criteria provided, single submitter (1 of 4 stars). 2 submissions from 2 submitters: Uncertain significance (1). 1 of the submissions does not count toward it. Last evaluated 2018-01-13.

Conditions:
GUSB-related disorder. Also called: GUSB-related condition.
Mucopolysaccharidosis type 7 (MPS7). Also called: GUSB DEFICIENCY; SLY SYNDROME; BETA-GLUCURONIDASE DEFICIENCY; MPS VII. Identifiers: Orphanet 584, MedGen C0085132, MONDO:0009662, OMIM 253220.

gnomAD v4.1: 6 of 1,514,600 alleles (0.0004%); highest among the groups gnomAD compares: Middle Eastern, 0.075%; no homozygotes.

Submissions (2):

Illumina Laboratory Services, Illumina
Classification: Uncertain significance for Mucopolysaccharidosis type 7. Last evaluated: 2018-01-13. Review status: criteria provided, single submitter. Criteria: ICSL Variant Classification Criteria 13 December 2019. Collection method: clinical testing. Allele origin: germline.

PreventionGenetics, part of Exact Sciences
Classification: Uncertain significance for GUSB-related condition. Last evaluated: 2024-07-01. Review status: no assertion criteria provided. Collection method: clinical testing. Allele origin: germline. Not counted in ClinVar's aggregate classification.
Comment: The GUSB c.11G>C variant is predicted to result in the amino acid substitution p.Gly4Ala. To our knowledge, this variant has not been reported in the literature or in a large population database, indicating this variant is rare. At this time, the clinical significance of this variant is uncertain due to the absence of conclusive functional and genetic evidence.

NM_000181.4(GUSB):c.11G>C (p.Gly4Ala)

Gene: GUSB (glucuronidase beta; minus strand). Cytogenetic location: 7q11.21.
Variant type: single nucleotide variant.
Coding change: c.11G>C on transcript NM_000181.4 (MANE Select); coding-DNA position 11, G replaced by C.
Protein change: p.Gly4Ala; replaces glycine 4 with alanine.
Molecular consequence: missense variant. On other transcripts: 5 prime UTR variant (2), non-coding transcript variant (1).
Genome position (GRCh38, 1-based): chr7:65,982,173, C>G on the plus strand (G>C on the coding strand, the complement: GUSB is on the minus strand). VCF-style: chr7-65982173-C-G. GRCh37 (hg19) VCF-style: chr7-65447160-C-G.
Other names: c.11G>C, p.Gly4Ala (NM_001284290.2); c.-375G>C (NM_001293104.2); c.-319G>C (NM_001293105.2); short protein forms G4A.
Identifiers: ClinVar variation 910587 (VCV000910587.5), dbSNP rs1355624664, ClinGen allele CA367655766.
Genomic context (GRCh38, chr7:65,982,173, plus strand): 5'-TGCAGCCCCAGCGCGCAGCCCCACAACAACGGCCCGAGCGCCGCCCAGGCAACCGCCGAC[C>G]CCCGGGCCATGCTTCCCGGTCCCCCGCTCGGCCACCGTCTGCGGCGCTAAGAAAAGCGCG-3'
Protein context (NP_000172.2, residues 1-14): MAR[Gly4Ala]SAVAWAALGP